The following is an entry in ClinVar:

NM_001382391.1(CSPP1):c.2968+5G>A

Gene: CSPP1 (centrosome and spindle pole associated protein 1; plus strand). Cytogenetic location: 8q13.2.
Variant type: single nucleotide variant.
Coding change: c.2968+5G>A on transcript NM_001382391.1 (MANE Select); 5 bases into the intron after coding-DNA position 2968, G replaced by A.
Molecular consequence: intron variant.
Genome position (GRCh38, 1-based): chr8:67,172,560, G>A. VCF-style: chr8-67172560-G-A. GRCh37 (hg19) VCF-style: chr8-68084795-G-A.
Other names: c.2773+5G>A (NM_001363132.2); c.2887+5G>A (NM_001363131.2); c.2692+5G>A (NM_001363133.2); c.3034+5G>A (NM_001364869.1); c.2953+5G>A (NM_024790.7, NM_001438331.1); c.2800+5G>A (NM_001438330.1); c.2854+5G>A (NM_001364870.1); c.2269+5G>A (NM_001438332.1); and 1 more.
Identifiers: ClinVar variation 392891 (VCV000392891.9), dbSNP rs1057524684, ClinGen allele CA16605253.

ClinVar aggregate classification (germline): Uncertain significance. Review status: criteria provided, multiple submitters, no conflicts (2 of 4 stars). 2 submissions from 2 submitters: Uncertain significance (2). Last evaluated 2019-09-19.

Conditions:
Joubert syndrome 21 (JBTS21). Identifiers: MedGen C3810212, MONDO:0014288, OMIM 615636.

Submissions (2):

Labcorp Genetics (formerly Invitae), Labcorp
Classification: Uncertain significance for Joubert syndrome 21. Last evaluated: 2019-09-19. Review status: criteria provided, single submitter. Criteria: Invitae Variant Classification Sherloc (09022015). Collection method: clinical testing. Allele origin: germline.
Comment: In summary, the available evidence is currently insufficient to determine the role of this variant in disease. Therefore, it has been classified as a Variant of Uncertain Significance. Nucleotide substitutions within the consensus splice site are a relatively common cause of aberrant splicing (PMID: 17576681, 9536098). Algorithms developed to predict the effect of sequence changes on RNA splicing suggest that this variant may disrupt the consensus splice site, but this prediction has not been confirmed by published transcriptional studies. This variant has not been reported in the literature in individuals with CSPP1-related conditions. ClinVar contains an entry for this variant (Variation ID: 392891). This variant is not present in population databases (ExAC no frequency). This sequence change falls in intron 23 of the CSPP1 gene. It does not directly change the encoded amino acid sequence of the CSPP1 protein, but it affects a nucleotide within the consensus splice site of the intron.

GeneDx
Classification: Uncertain significance. Last evaluated: 2017-01-27. Review status: criteria provided, single submitter. Criteria: GeneDx Variant Classification (06012015). Collection method: clinical testing. Allele origin: germline. Affected: yes.
Comment: The c.2953+5G>A variant in the CSPP1 gene has not been reported previously as a pathogenic variant, nor as a benign variant, to our knowledge. Some splice predictor models indicate that this variant may damage or destroy the splice donor site in intron 23, which may cause abnormal gene splicing. However, in the absence of RNA/functional studies, the actual effect of c.2953+5G>A in this individual is unknown. The c.2953+5G>A variant was not observed in approximately 5,900 individuals of European and African American ancestry in the NHLBI Exome Sequencing Project, indicating it is not a common benign variant in these populations. We interpret c.2953+5G>A as a variant of uncertain significance.

Literature cited by the submitters: PubMed 17576681 (cited by Labcorp Genetics (formerly Invitae), Labcorp); PubMed 9536098 (cited by Labcorp Genetics (formerly Invitae), Labcorp).